The following is an entry in ClinVar:

ClinVar aggregate classification (germline): Uncertain significance. Review status: criteria provided, multiple submitters, no conflicts (2 of 4 stars). 2 submissions from 2 submitters: Uncertain significance (2). Last evaluated 2026-01-18.

Conditions:
Familial cold autoinflammatory syndrome 3 (FCAS3). Also called: ANTIBODY DEFICIENCY AND IMMUNE DYSREGULATION, PLCG2-ASSOCIATED; FAMILIAL ATYPICAL COLD URTICARIA. Identifiers: Orphanet 300359, MedGen C3280914, MONDO:0013766, OMIM 614468.

Allele frequency attached by ClinVar (database versions not stated): gnomAD 0.00001; ExAC 0.00002; TOPMed 0.00002; gnomAD exomes 0.00004; ESP Exome Variant Server 0.00008.
gnomAD v4.1: 53 of 1,613,948 alleles (0.0033%); highest among the groups gnomAD compares: Non-Finnish European, 0.0042%; no homozygotes.

Submissions (2):

Labcorp Genetics (formerly Invitae), Labcorp
Classification: Uncertain significance for Familial cold autoinflammatory syndrome 3. Last evaluated: 2026-01-18. Review status: criteria provided, single submitter. Criteria: Invitae Variant Classification Sherloc (09022015). Collection method: clinical testing. Allele origin: germline.
Comment: This sequence change replaces arginine, which is basic and polar, with glutamine, which is neutral and polar, at codon 1206 of the PLCG2 protein (p.Arg1206Gln). This variant is present in population databases (rs373686679, gnomAD 0.006%). This variant has not been reported in the literature in individuals affected with PLCG2-related conditions. ClinVar contains an entry for this variant (Variation ID: 1415570). An algorithm developed to predict the effect of missense changes on protein structure and function (PolyPhen-2) suggests that this variant is likely to be disruptive. In summary, the available evidence is currently insufficient to determine the role of this variant in disease. Therefore, it has been classified as a Variant of Uncertain Significance.

Blueprint Genetics
Classification: Uncertain significance. Last evaluated: 2022-07-29. Review status: criteria provided, single submitter. Criteria: ACMG Guidelines, 2015. Collection method: clinical testing. Allele origin: germline.

NM_002661.5(PLCG2):c.3617G>A (p.Arg1206Gln)

Gene: PLCG2 (phospholipase C gamma 2; plus strand). Cytogenetic location: 16q23.3.
Variant type: single nucleotide variant.
Coding change: c.3617G>A on transcript NM_002661.5 (MANE Select); coding-DNA position 3617, G replaced by A.
Protein change: p.Arg1206Gln; replaces arginine 1206 with glutamine.
Molecular consequence: missense variant.
Genome position (GRCh38, 1-based): chr16:81,956,741, G>A. VCF-style: chr16-81956741-G-A. GRCh37 (hg19) VCF-style: chr16-81990346-G-A.
Other names: short protein forms R1206Q.
Identifiers: ClinVar variation 1415570 (VCV001415570.9), dbSNP rs373686679, ClinGen allele CA8194788.